The following is an entry in ClinVar:

NM_001386298.1(CIC):c.5043C>T (p.Ala1681=)

Gene: CIC (capicua transcriptional repressor; plus strand). Cytogenetic location: 19q13.2.
Variant type: single nucleotide variant.
Coding change: c.5043C>T on transcript NM_001386298.1 (MANE Select); coding-DNA position 5043, C replaced by T.
Protein change: p.Ala1681=; no amino-acid change (alanine 1681 retained).
Molecular consequence: synonymous variant.
Genome position (GRCh38, 1-based): chr19:42,291,084, C>T. VCF-style: chr19-42291084-C-T. GRCh37 (hg19) VCF-style: chr19-42795236-C-T.
Other names: c.5043C>T, p.Ala1681= (NM_001304815.2, NM_001379480.1, NM_001379482.1 and 1 more transcripts); c.2316C>T, p.Ala772= (NM_001379484.1, NM_001379485.1, NM_015125.5).
Identifiers: ClinVar variation 3047299 (VCV003047299.2), dbSNP rs374952209, ClinGen allele CA9472235.

ClinVar aggregate classification (germline): Likely benign (0 of 4 stars; one submission).

Conditions:
CIC-related disorder. Also called: CIC-related condition.

gnomAD v4.1: 13 of 1,613,514 alleles (0.00081%); highest among the groups gnomAD compares: Admixed American, 0.02%; no homozygotes.

Submission:

PreventionGenetics, part of Exact Sciences
Classification: Likely benign for CIC-related condition. Last evaluated: 2019-03-22. Review status: no assertion criteria provided. Collection method: clinical testing. Allele origin: germline.
Comment: This variant is classified as likely benign based on ACMG/AMP sequence variant interpretation guidelines (Richards et al. 2015 PMID: 25741868, with internal and published modifications).